The following is an entry in ClinVar:

ClinVar aggregate classification (germline): Uncertain significance (1 of 4 stars; one submission).

Conditions:
Hereditary pancreatitis (PCTT). Also called: PRSS1-Related Hereditary Pancreatitis; Hereditary chronic pancreatitis. Identifiers: Orphanet 676, MedGen C0238339, MONDO:0008185, OMIM 167800.

Submission:

Ambry Genetics
Classification: Uncertain significance for Hereditary pancreatitis. Last evaluated: 2022-08-30. Review status: criteria provided, single submitter. Criteria: Ambry Variant Classification Scheme 2023. Collection method: clinical testing. Allele origin: germline.
Comment: The p.G77R variant (also known as c.229G>C), located in coding exon 4 of the SPINK1 gene, results from a G to C substitution at nucleotide position 229. The glycine at codon 77 is replaced by arginine, an amino acid with dissimilar properties. This amino acid position is conserved. In addition, this alteration is predicted to be deleterious by in silico analysis. Since supporting evidence is limited at this time, the clinical significance of this alteration remains unclear.

NM_001379610.1(SPINK1):c.229G>C (p.Gly77Arg)

Gene: SPINK1 (serine peptidase inhibitor Kazal type 1; minus strand). Cytogenetic location: 5q32.
Variant type: single nucleotide variant.
Coding change: c.229G>C on transcript NM_001379610.1 (MANE Select); coding-DNA position 229, G replaced by C.
Protein change: p.Gly77Arg; replaces glycine 77 with arginine.
Molecular consequence: missense variant.
Genome position (GRCh38, 1-based): chr5:147,824,672, C>G on the plus strand (G>C on the coding strand, the complement: SPINK1 is on the minus strand). VCF-style: chr5-147824672-C-G. GRCh37 (hg19) VCF-style: chr5-147204235-C-G.
Other names: c.229G>C, p.Gly77Arg (NM_001354966.2, NM_003122.5); short protein forms G77R.
Identifiers: ClinVar variation 1789236 (VCV001789236.2), dbSNP rs2480192056, ClinGen allele CA361885075.